The following is an entry in ClinVar:

ClinVar aggregate classification (germline): Uncertain significance (1 of 4 stars; one submission).

Conditions:
Rubinstein-Taybi syndrome (RSTS). Identifiers: Orphanet 783, MedGen C0035934, MONDO:0019188.

gnomAD v4.1: 1 of 1,614,126 alleles (0.000062%); highest among the groups gnomAD compares: East Asian, 0.0022%; no homozygotes.

Submission:

Labcorp Genetics (formerly Invitae), Labcorp
Classification: Uncertain significance for Rubinstein-Taybi syndrome. Last evaluated: 2025-11-02. Review status: criteria provided, single submitter. Criteria: Invitae Variant Classification Sherloc (09022015). Collection method: clinical testing. Allele origin: germline.
Comment: This sequence change replaces threonine, which is neutral and polar, with serine, which is neutral and polar, at codon 597 of the CREBBP protein (p.Thr597Ser). This variant is not present in population databases (gnomAD no frequency). This variant has not been reported in the literature in individuals affected with CREBBP-related conditions. Invitae Evidence Modeling of protein sequence and biophysical properties (such as structural, functional, and spatial information, amino acid conservation, physicochemical variation, residue mobility, and thermodynamic stability) indicates that this missense variant is expected to disrupt CREBBP protein function with a positive predictive value of 95%. In summary, the available evidence is currently insufficient to determine the role of this variant in disease. Therefore, it has been classified as a Variant of Uncertain Significance.

NM_004380.3(CREBBP):c.1790C>G (p.Thr597Ser)

Gene: CREBBP (CREB binding lysine acetyltransferase; minus strand). Cytogenetic location: 16p13.3.
Variant type: single nucleotide variant.
Coding change: c.1790C>G on transcript NM_004380.3 (MANE Select); coding-DNA position 1790, C replaced by G.
Protein change: p.Thr597Ser; replaces threonine 597 with serine.
Molecular consequence: missense variant.
Genome position (GRCh38, 1-based): chr16:3,780,765, G>C on the plus strand (C>G on the coding strand, the complement: CREBBP is on the minus strand). VCF-style: chr16-3780765-G-C. GRCh37 (hg19) VCF-style: chr16-3830766-G-C.
Other names: c.1676C>G, p.Thr559Ser (NM_001079846.1); short protein forms T597S, T559S.
Identifiers: ClinVar variation 4747496 (VCV004747496.1).